The following is an entry in ClinVar:

NM_000069.3(CACNA1S):c.586C>A (p.Leu196Ile)

Gene: CACNA1S (calcium voltage-gated channel subunit alpha1 S; minus strand). Cytogenetic location: 1q32.1.
Variant type: single nucleotide variant.
Coding change: c.586C>A on transcript NM_000069.3 (MANE Select); coding-DNA position 586, C replaced by A.
Protein change: p.Leu196Ile; replaces leucine 196 with isoleucine.
Molecular consequence: missense variant.
Genome position (GRCh38, 1-based): chr1:201,091,748, G>T on the plus strand (C>A on the coding strand, the complement: CACNA1S is on the minus strand). VCF-style: chr1-201091748-G-T. GRCh37 (hg19) VCF-style: chr1-201060876-G-T.
Other names: short protein forms L196I.
Identifiers: ClinVar variation 944083 (VCV000944083.10), dbSNP rs1402361054, ClinGen allele CA344140457.

ClinVar aggregate classification (germline): Uncertain significance (1 of 4 stars; one submission).

Conditions:
Hypokalemic periodic paralysis, type 1. Also called: HypoPP; Hypokalemic Periodic Paralysis Type 1 (AD). Identifiers: Orphanet 681, MedGen C3714580, MONDO:0042979, OMIM 170400.
Malignant hyperthermia, susceptibility to, 5 (MHS5). Also called: CACNA1S-Related Malignant Hyperthermia Susceptibility. Identifiers: Orphanet 423, MedGen C1866077, MONDO:0011163, OMIM 601887.

Allele frequency attached by ClinVar (database versions not stated): gnomAD 0.00001; TOPMed 0.00001.
gnomAD v4.1: 1 of 1,613,960 alleles (0.000062%); highest among the groups gnomAD compares: Admixed American, 0.0017%; no homozygotes.

Submission:

Labcorp Genetics (formerly Invitae), Labcorp
Classification: Uncertain significance for Hypokalemic periodic paralysis, type 1; Malignant hyperthermia, susceptibility to, 5. Last evaluated: 2022-08-12. Review status: criteria provided, single submitter. Criteria: Invitae Variant Classification Sherloc (09022015). Collection method: clinical testing. Allele origin: germline.
Comment: In summary, the available evidence is currently insufficient to determine the role of this variant in disease. Therefore, it has been classified as a Variant of Uncertain Significance. Algorithms developed to predict the effect of missense changes on protein structure and function are either unavailable or do not agree on the potential impact of this missense change (SIFT: "Deleterious"; PolyPhen-2: "Benign"; Align-GVGD: "Class C0"). ClinVar contains an entry for this variant (Variation ID: 944083). This variant has not been reported in the literature in individuals affected with CACNA1S-related conditions. This variant is present in population databases (no rsID available, gnomAD 0.1%). This sequence change replaces leucine, which is neutral and non-polar, with isoleucine, which is neutral and non-polar, at codon 196 of the CACNA1S protein (p.Leu196Ile).